The following is an entry in ClinVar:

NM_001174147.2(LMX1B):c.229C>T (p.His77Tyr)

Gene: LMX1B (LIM homeobox transcription factor 1 beta; plus strand). Cytogenetic location: 9q33.3.
Variant type: single nucleotide variant.
Coding change: c.229C>T on transcript NM_001174147.2 (MANE Select); coding-DNA position 229, C replaced by T.
Protein change: p.His77Tyr; replaces histidine 77 with tyrosine.
Molecular consequence: missense variant.
Genome position (GRCh38, 1-based): chr9:126,615,472, C>T. VCF-style: chr9-126615472-C-T. GRCh37 (hg19) VCF-style: chr9-129377751-C-T.
Other names: c.229C>T, p.His77Tyr (NM_001174146.2, NM_002316.4); short protein forms H77Y.
Identifiers: ClinVar variation 3720898 (VCV003720898.2).

ClinVar aggregate classification (germline): Pathogenic/Likely pathogenic. Review status: criteria provided, multiple submitters, no conflicts (2 of 4 stars). 2 submissions from 2 submitters: Pathogenic (1); Likely pathogenic (1). Last evaluated 2025-09-29.

Conditions:
Nail-patella-like renal disease. Also called: GLOMERULAR BASEMENT MEMBRANE DISEASE, NAIL-PATELLA SYNDROME TYPE; Focal Segmental Glomerulosclerosis 10. Identifiers: Orphanet 2613, MedGen C0403548, MONDO:0009724, OMIM 256020.

Submissions (2):

Institute of Human Genetics, FAU Erlangen, Friedrich-Alexander-Universität Erlangen-Nürnberg
Classification: Pathogenic for Nail-patella-like renal disease. Last evaluated: 2025-09-29. Review status: criteria provided, single submitter. Criteria: Hauer et al. (Genet Med. 2018). Collection method: clinical testing. Allele origin: germline. Inheritance: Autosomal dominant inheritance. Affected: yes. Observed: 2 variant alleles.
Comment: This variant has been identified by standard clinical testing. Selected ACMG criteria: Likely pathogenic (VI):PP5;PP4;PP3;PP2;PP1;PM2

Labcorp Genetics (formerly Invitae), Labcorp
Classification: Likely pathogenic. Last evaluated: 2024-11-17. Review status: criteria provided, single submitter. Criteria: Invitae Variant Classification Sherloc (09022015). Collection method: clinical testing. Allele origin: germline.
Comment: This sequence change replaces histidine, which is basic and polar, with tyrosine, which is neutral and polar, at codon 77 of the LMX1B protein (p.His77Tyr). This variant is not present in population databases (gnomAD no frequency). This missense change has been observed in individuals with nail-patella syndrome (PMID: 10571942; internal data). This variant is also known as H54Y, c.160C>T. Invitae Evidence Modeling of protein sequence and biophysical properties (such as structural, functional, and spatial information, amino acid conservation, physicochemical variation, residue mobility, and thermodynamic stability) indicates that this missense variant is expected to disrupt LMX1B protein function with a positive predictive value of 80%. This variant disrupts the p.His77 amino acid residue in LMX1B. Other variant(s) that disrupt this residue have been observed in individuals with LMX1B-related conditions (PMID: 10571942, 11668639, 12215822), which suggests that this may be a clinically significant amino acid residue. In summary, the currently available evidence indicates that the variant is pathogenic, but additional data are needed to prove that conclusively. Therefore, this variant has been classified as Likely Pathogenic.

Literature cited by the submitters: PubMed 10571942 (cited by Labcorp Genetics (formerly Invitae), Labcorp); PubMed 11668639 (cited by Labcorp Genetics (formerly Invitae), Labcorp); PubMed 12215822 (cited by Labcorp Genetics (formerly Invitae), Labcorp).